The following is an entry in ClinVar:

NM_001110556.2(FLNA):c.1829-8G>A

Gene: FLNA (filamin A; minus strand). Cytogenetic location: Xq28.
Variant type: single nucleotide variant.
Coding change: c.1829-8G>A on transcript NM_001110556.2 (MANE Select); 8 bases into the intron before coding-DNA position 1829, G replaced by A.
Molecular consequence: intron variant.
Genome position (GRCh38, 1-based): chrX:154,364,727, C>T on the plus strand (G>A on the coding strand, the complement: FLNA is on the minus strand). VCF-style: chrX-154364727-C-T. GRCh37 (hg19) VCF-style: chrX-153593095-C-T.
Other names: c.1829-8G>A (NM_001456.4).
Identifiers: ClinVar variation 1303563 (VCV001303563.5), dbSNP rs782287295, ClinGen allele CA10561065.

ClinVar aggregate classification (germline): Conflicting classifications of pathogenicity. Review status: criteria provided, conflicting classifications (1 of 4 stars). 2 submissions from 2 submitters: Uncertain significance (1); Likely benign (1). Last evaluated 2024-09-30.

Conditions:
Melnick-Needles syndrome (MNS). Also called: MELNICK-NEEDLES OSTEODYSPLASTY; OSTEODYSPLASTY OF MELNICK AND NEEDLES; Melnick-Needles Syndrome (FLNA-MNS). Identifiers: Orphanet 2484, MedGen C0025237, MONDO:0010650, OMIM 309350.
Frontometaphyseal dysplasia (FMD1). Identifiers: MONDO:0015942, Orphanet 1826, MedGen C0265293.
Oto-palato-digital syndrome, type II (OPD2). Also called: Otopalatodigital Syndrome, Type II; FACIOPALATOOSSEOUS SYNDROME; OPD II SYNDROME; Otopalatodigital Syndrome Type 2 (FLNA-OPD2). Identifiers: Orphanet 669, Orphanet 90652, MedGen C1844696, MONDO:0010571, OMIM 304120.
Heterotopia, periventricular, X-linked dominant (PVNH1). Also called: X-linked periventricular heterotopia; PERIVENTRICULAR NODULAR HETEROTOPIA 4; HETEROTOPIA, PERIVENTRICULAR, 1; PERIVENTRICULAR NODULAR HETEROTOPIA 1. Identifiers: Orphanet 2149, Orphanet 82004, MedGen C1848213, MONDO:0010233, OMIM 300049.

Allele frequency attached by ClinVar (database versions not stated): ExAC 0.00001; gnomAD exomes 0.00001; TOPMed 0.00002.
gnomAD v4.1: 4 of 1,210,238 alleles (0.00033%); highest among the groups gnomAD compares: Admixed American, 0.0043%; no homozygotes.

Submissions (2):

Labcorp Genetics (formerly Invitae), Labcorp
Classification: Likely benign for Oto-palato-digital syndrome, type II; Heterotopia, periventricular, X-linked dominant; Frontometaphyseal dysplasia; Melnick-Needles syndrome. Last evaluated: 2024-09-30. Review status: criteria provided, single submitter. Criteria: Invitae Variant Classification Sherloc (09022015). Collection method: clinical testing. Allele origin: germline.

GeneDx
Classification: Uncertain significance. Last evaluated: 2019-08-22. Review status: criteria provided, single submitter. Criteria: GeneDx Variant Classification Process June 2021. Collection method: clinical testing. Allele origin: germline. Affected: yes.
Comment: Has not been previously published as pathogenic or benign to our knowledge; In-silico analysis, which includes splice predictors and evolutionary conservation, is inconclusive as to whether the variant alters gene splicing. In the absence of RNA/functional studies, the actual effect of this sequence change is unknown.